The following is an entry in ClinVar:

ClinVar aggregate classification (germline): Uncertain significance. Review status: criteria provided, multiple submitters, no conflicts (2 of 4 stars). 2 submissions from 2 submitters: Uncertain significance (2). Last evaluated 2025-08-29.

Conditions:
Hereditary cancer-predisposing syndrome. Also called: Tumor predisposition; Hereditary Cancer Syndrome; Hereditary neoplastic syndrome; Neoplastic Syndromes, Hereditary. Identifiers: Orphanet 140162, MedGen C0027672, MeSH D009386, MONDO:0015356.

Submissions (2):

Labcorp Genetics (formerly Invitae), Labcorp
Classification: Uncertain significance. Last evaluated: 2025-08-29. Review status: criteria provided, single submitter. Criteria: Invitae Variant Classification Sherloc (09022015). Collection method: clinical testing. Allele origin: germline.
Comment: This sequence change replaces valine, which is neutral and non-polar, with isoleucine, which is neutral and non-polar, at codon 1705 of the POLE protein (p.Val1705Ile). This variant is not present in population databases (gnomAD no frequency). This variant has not been reported in the literature in individuals affected with POLE-related conditions. ClinVar contains an entry for this variant (Variation ID: 3308341). An algorithm developed to predict the effect of missense changes on protein structure and function outputs the following: PolyPhen-2: "Benign". The isoleucine amino acid residue is found in multiple mammalian species, which suggests that this missense change does not adversely affect protein function. In summary, the available evidence is currently insufficient to determine the role of this variant in disease. Therefore, it has been classified as a Variant of Uncertain Significance.

Ambry Genetics
Classification: Uncertain significance for Hereditary cancer-predisposing syndrome. Last evaluated: 2024-05-24. Review status: criteria provided, single submitter. Criteria: Ambry Variant Classification Scheme 2023. Collection method: clinical testing. Allele origin: germline.
Comment: The p.V1705I variant (also known as c.5113G>A), located in coding exon 38 of the POLE gene, results from a G to A substitution at nucleotide position 5113. The valine at codon 1705 is replaced by isoleucine, an amino acid with highly similar properties. This amino acid position is conserved. In addition, this alteration is predicted to be tolerated by in silico analysis. Based on the available evidence, the clinical significance of this variant remains unclear.

NM_006231.4(POLE):c.5113G>A (p.Val1705Ile)

Gene: POLE (DNA polymerase epsilon, catalytic subunit; minus strand). Cytogenetic location: 12q24.33.
Variant type: single nucleotide variant.
Coding change: c.5113G>A on transcript NM_006231.4 (MANE Select); coding-DNA position 5113, G replaced by A.
Protein change: p.Val1705Ile; replaces valine 1705 with isoleucine.
Molecular consequence: missense variant.
Genome position (GRCh38, 1-based): chr12:132,642,237, C>T on the plus strand (G>A on the coding strand, the complement: POLE is on the minus strand). VCF-style: chr12-132642237-C-T. GRCh37 (hg19) VCF-style: chr12-133218823-C-T.
Other names: short protein forms V1705I.
Identifiers: ClinVar variation 3308341 (VCV003308341.2).